The following is an entry in ClinVar:

NM_001282116.2(RFX3):c.1653A>T (p.Arg551Ser)

Gene: RFX3 (regulatory factor X3; minus strand). Cytogenetic location: 9p24.2.
Variant type: single nucleotide variant.
Coding change: c.1653A>T on transcript NM_001282116.2 (MANE Select); coding-DNA position 1653, A replaced by T.
Protein change: p.Arg551Ser; replaces arginine 551 with serine.
Molecular consequence: missense variant.
Genome position (GRCh38, 1-based): chr9:3,257,152, T>A on the plus strand (A>T on the coding strand, the complement: RFX3 is on the minus strand). VCF-style: chr9-3257152-T-A. GRCh37 (hg19) VCF-style: chr9-3257152-T-A.
Other names: c.1653A>T, p.Arg551Ser (NM_001377999.1, NM_002919.4, NM_134428.3); short protein forms R551S.
Identifiers: ClinVar variation 3313932 (VCV003313932.2).

ClinVar aggregate classification (germline): Uncertain significance (1 of 4 stars; one submission).

Conditions:
Inborn genetic diseases. Identifiers: MedGen C0950123, MeSH D030342.

gnomAD v4.1: 1 of 1,613,946 alleles (0.000062%); no homozygotes.

Submission:

Ambry Genetics
Classification: Uncertain significance for Inborn genetic diseases. Last evaluated: 2024-08-01. Review status: criteria provided, single submitter. Criteria: Ambry Variant Classification Scheme 2023. Collection method: clinical testing. Allele origin: germline.
Comment: The c.1653A>T (p.R551S) alteration is located in exon 15 (coding exon 13) of the RFX3 gene. This alteration results from a A to T substitution at nucleotide position 1653, causing the arginine (R) at amino acid position 551 to be replaced by a serine (S). This variant was not reported in population-based cohorts in the Genome Aggregation Database (gnomAD). This amino acid position is well conserved in available vertebrate species. This missense alteration is located in a region that has a low rate of benign missense variation (Lek, 2016; Firth, 2009). The in silico prediction for this alteration is inconclusive. Based on insufficient or conflicting evidence, the clinical significance of this alteration remains unclear.